The following is an entry in ClinVar:

NM_005431.2(XRCC2):c.492A>C (p.Glu164Asp)

Gene: XRCC2 (X-ray repair cross complementing 2; minus strand). Cytogenetic location: 7q36.1.
Variant type: single nucleotide variant.
Coding change: c.492A>C on transcript NM_005431.2 (MANE Select); coding-DNA position 492, A replaced by C.
Protein change: p.Glu164Asp; replaces glutamic acid 164 with aspartic acid.
Molecular consequence: missense variant.
Genome position (GRCh38, 1-based): chr7:152,648,993, T>G on the plus strand (A>C on the coding strand, the complement: XRCC2 is on the minus strand). VCF-style: chr7-152648993-T-G. GRCh37 (hg19) VCF-style: chr7-152346078-T-G.
Other names: short protein forms E164D.
Identifiers: ClinVar variation 2625109 (VCV002625109.2), dbSNP rs1167001769, ClinGen allele CA370198579.
Genomic context (GRCh38, chr7:152,648,993, plus strand): 5'-TACAAGCTTCTCTAAGCACTGAGAACATTTCCTCAGAGTAGACTCCTGTAAGTTCACACT[T>G]TCTCCTCCATTGACGCGGTCTATCCAGTAAAAAGCTGACAGGCTATCCAAAATCAAAAGG-3'
Protein context (NP_005422.1, residues 154-174): FYWIDRVNGG[Glu164Asp]SVNLQESTLR

ClinVar aggregate classification (germline): Uncertain significance (1 of 4 stars; one submission).

Conditions:
Hereditary cancer-predisposing syndrome. Also called: Tumor predisposition; Hereditary Cancer Syndrome; Hereditary neoplastic syndrome; Neoplastic Syndromes, Hereditary. Identifiers: Orphanet 140162, MedGen C0027672, MeSH D009386, MONDO:0015356.

Submission:

Ambry Genetics
Classification: Uncertain significance for Hereditary cancer-predisposing syndrome. Last evaluated: 2023-09-09. Review status: criteria provided, single submitter. Criteria: Ambry Variant Classification Scheme 2023. Collection method: clinical testing. Allele origin: germline.
Comment: The p.E164D variant (also known as c.492A>C), located in coding exon 3 of the XRCC2 gene, results from an A to C substitution at nucleotide position 492. The glutamic acid at codon 164 is replaced by aspartic acid, an amino acid with highly similar properties. This amino acid position is conserved. In addition, this alteration is predicted to be tolerated by in silico analysis. Since supporting evidence is limited at this time, the clinical significance of this alteration remains unclear.